The following is an entry in ClinVar:

ClinVar aggregate classification (germline): Likely pathogenic (1 of 4 stars; one submission).

Conditions:
Glutaric aciduria, type 1. Also called: Glutaryl-CoA dehydrogenase deficiency; Glutaric Acidemia Type 1; Glutaricaciduria, type I; GA I; Glutaric acidemia type I; Glutaricacidemia Type 1. Identifiers: Orphanet 25, MedGen C0268595, MONDO:0009281, OMIM 231670.

Submission:

Labcorp Genetics (formerly Invitae), Labcorp
Classification: Likely pathogenic for Glutaric aciduria, type 1. Last evaluated: 2022-08-05. Review status: criteria provided, single submitter. Criteria: Invitae Variant Classification Sherloc (09022015). Collection method: clinical testing. Allele origin: germline.
Comment: This sequence change replaces arginine, which is basic and polar, with serine, which is neutral and polar, at codon 68 of the GCDH protein (p.Arg68Ser). This variant is not present in population databases (gnomAD no frequency). This variant has not been reported in the literature in individuals affected with GCDH-related conditions. Advanced modeling of protein sequence and biophysical properties (such as structural, functional, and spatial information, amino acid conservation, physicochemical variation, residue mobility, and thermodynamic stability) performed at Invitae indicates that this missense variant is expected to disrupt GCDH protein function. This variant disrupts the p.Arg68 amino acid residue in GCDH. Other variant(s) that disrupt this residue have been determined to be pathogenic (Invitae). This suggests that this residue is clinically significant, and that variants that disrupt this residue are likely to be disease-causing. In summary, the currently available evidence indicates that the variant is pathogenic, but additional data are needed to prove that conclusively. Therefore, this variant has been classified as Likely Pathogenic.

NM_000159.4(GCDH):c.204G>C (p.Arg68Ser)

Genes: GCDH (glutaryl-CoA dehydrogenase; plus strand), LOC117125594 (CRISPRi-FlowFISH-validated KLF1 regulatory element; plus strand). Cytogenetic location: 19p13.13.
Variant type: single nucleotide variant.
Coding change: c.204G>C on transcript NM_000159.4 (MANE Select); coding-DNA position 204, G replaced by C.
Protein change: p.Arg68Ser; replaces arginine 68 with serine.
Molecular consequence: missense variant. On other transcripts: non-coding transcript variant (2).
Genome position (GRCh38, 1-based): chr19:12,891,907, G>C. VCF-style: chr19-12891907-G-C. GRCh37 (hg19) VCF-style: chr19-13002721-G-C.
Other names: c.204G>C, p.Arg68Ser (NM_013976.5); short protein forms R68S.
Identifiers: ClinVar variation 2021676 (VCV002021676.4), dbSNP rs956812784, ClinGen allele CA404315140.